The following is an entry in ClinVar:

NM_004586.3(RPS6KA3):c.1004T>C (p.Leu335Pro)

Gene: RPS6KA3 (ribosomal protein S6 kinase A3; minus strand). Cytogenetic location: Xp22.12.
Variant type: single nucleotide variant.
Coding change: c.1004T>C on transcript NM_004586.3 (MANE Select); coding-DNA position 1004, T replaced by C.
Protein change: p.Leu335Pro; replaces leucine 335 with proline.
Molecular consequence: missense variant.
Genome position (GRCh38, 1-based): chrX:20,176,348, A>G on the plus strand (T>C on the coding strand, the complement: RPS6KA3 is on the minus strand). VCF-style: chrX-20176348-A-G. GRCh37 (hg19) VCF-style: chrX-20194466-A-G.
Other names: short protein forms L335P.
Identifiers: ClinVar variation 842764 (VCV000842764.11), dbSNP rs2067699414, ClinGen allele CA412518036.

ClinVar aggregate classification (germline): Uncertain significance. Review status: criteria provided, multiple submitters, no conflicts (2 of 4 stars). 2 submissions from 2 submitters: Uncertain significance (2). Last evaluated 2026-08-06.

Conditions:
Coffin-Lowry syndrome (CLS). Also called: COFFIN-LOWRY SYNDROME, MILD; Mental retardation with osteocartilaginous abnormalities. Identifiers: Orphanet 192, MedGen C0265252, MONDO:0010561, OMIM 303600.
Intellectual developmental disorder, X-linked 19. Also called: Intellectual disability, X-linked 19. Identifiers: Orphanet 777, MedGen C0796225, MONDO:0010447, OMIM 300844.

Submissions (2):

OLLIN Analises Genomicas, OLLIN
Classification: Uncertain significance for Coffin-Lowry syndrome. Last evaluated: 2026-08-06. Review status: criteria provided, single submitter. Criteria: ACMG Guidelines 2015 PMID 25741868. Collection method: clinical testing. Allele origin: germline. Inheritance: X-linked inheritance.
Comment: This missense variant, located in exon 13 (of 22), is absent from gnomAD and has not been identified in the literature. However, it has been reported in ClinVar (accession VCV000842764.10). In silico analysis predicts that this variant has a deleterious effect. This variant is located in a region considered to be a mutational hotspot. This gene is constrained for missense variation. According to the currently available evidence, this variant has been classified as uncertain significance (PM1, PM2_P, PP2, PP3).

Labcorp Genetics (formerly Invitae), Labcorp
Classification: Uncertain significance for Coffin-Lowry syndrome; Intellectual developmental disorder, X-linked 19. Last evaluated: 2019-10-19. Review status: criteria provided, single submitter. Criteria: Invitae Variant Classification Sherloc (09022015). Collection method: clinical testing. Allele origin: germline.
Comment: This variant is not present in population databases (ExAC no frequency). This sequence change replaces leucine with proline at codon 335 of the RPS6KA3 protein (p.Leu335Pro). The leucine residue is highly conserved and there is a moderate physicochemical difference between leucine and proline. This variant has not been reported in the literature in individuals with RPS6KA3-related conditions. Algorithms developed to predict the effect of missense changes on protein structure and function (SIFT, PolyPhen-2, Align-GVGD) all suggest that this variant is likely to be disruptive, but these predictions have not been confirmed by published functional studies and their clinical significance is uncertain. In summary, the available evidence is currently insufficient to determine the role of this variant in disease. Therefore, it has been classified as a Variant of Uncertain Significance.